The following is an entry in ClinVar:

NM_002386.4(MC1R):c.*12G>A

Gene: MC1R (melanocortin 1 receptor; plus strand). Cytogenetic location: 16q24.3.
Variant type: single nucleotide variant.
Coding change: c.*12G>A on transcript NM_002386.4 (MANE Select); 12 bases downstream of the stop codon, G replaced by A.
Molecular consequence: 3 prime UTR variant.
Genome position (GRCh38, 1-based): chr16:89,920,224, G>A. VCF-style: chr16-89920224-G-A. GRCh37 (hg19) VCF-style: chr16-89986632-G-A.
Identifiers: ClinVar variation 258650 (VCV000258650.9), dbSNP rs3212368, ClinGen allele CA8255829.

ClinVar aggregate classification (germline): Benign. Review status: criteria provided, multiple submitters, no conflicts (2 of 4 stars). 4 submissions from 4 submitters: Benign (4). Last evaluated 2018-06-22.

Conditions:
Melanoma, cutaneous malignant, susceptibility to, 5. Also called: Cutaneous malignant melanoma 5. Identifiers: Orphanet 618, MedGen C2751295, MONDO:0013133, OMIM 613099.

Allele frequency attached by ClinVar (database versions not stated): gnomAD 0.04345 and 0.04681; ESP Exome Variant Server 0.04775; 1000 Genomes Project 30x 0.04950; TOPMed 0.04906; gnomAD exomes 0.01103; ExAC 0.01442; 1000 Genomes Project 0.04533.

Submissions (4):

GeneDx
Classification: Benign. Last evaluated: 2018-06-22. Review status: criteria provided, single submitter. Criteria: GeneDx Variant Classification Process June 2021. Collection method: clinical testing. Allele origin: germline. Affected: yes.

Illumina Laboratory Services, Illumina
Classification: Benign for Melanoma, cutaneous malignant, susceptibility to, 5. Last evaluated: 2018-01-13. Review status: criteria provided, single submitter. Criteria: ICSL Variant Classification Criteria 13 December 2019. Collection method: clinical testing. Allele origin: germline.
Comment: This variant was observed in the ICSL laboratory as part of a predisposition screen in an ostensibly healthy population. It had not been previously curated by ICSL or reported in the Human Gene Mutation Database (HGMD: prior to June 1st, 2018), and was therefore a candidate for classification through an automated scoring system. Utilizing variant allele frequency, disease prevalence and penetrance estimates, and inheritance mode, an automated score was calculated to assess if this variant is too frequent to cause the disease. Based on the score and internal cut-off values, a variant classified as benign is not then subjected to further curation. The score for this variant resulted in a classification of benign for this disease.

Breakthrough Genomics
Classification: Benign. Review status: criteria provided, single submitter. Criteria: ACMG Guidelines, 2015. Collection method: not provided. Allele origin: germline. Inheritance: Autosomal recessive inheritance. Affected: yes.

PreventionGenetics, part of Exact Sciences
Classification: Benign. Review status: criteria provided, single submitter. Criteria: ACMG Guidelines, 2015. Collection method: clinical testing. Allele origin: germline.